The following is an entry in ClinVar:

NM_014795.4(ZEB2):c.151G>A (p.Gly51Ser)

Gene: ZEB2 (zinc finger E-box binding homeobox 2; minus strand). Cytogenetic location: 2q22.3.
Variant type: single nucleotide variant.
Coding change: c.151G>A on transcript NM_014795.4 (MANE Select); coding-DNA position 151, G replaced by A.
Protein change: p.Gly51Ser; replaces glycine 51 with serine.
Molecular consequence: missense variant.
Genome position (GRCh38, 1-based): chr2:144,429,949, C>T on the plus strand (G>A on the coding strand, the complement: ZEB2 is on the minus strand). VCF-style: chr2-144429949-C-T. GRCh37 (hg19) VCF-style: chr2-145187516-C-T.
Other names: c.151G>A, p.Gly51Ser (NM_001171653.2); short protein forms G51S.
Identifiers: ClinVar variation 1041823 (VCV001041823.8), dbSNP rs749173524, ClinGen allele CA1898595.

ClinVar aggregate classification (germline): Uncertain significance (1 of 4 stars; one submission).

Conditions:
Mowat-Wilson syndrome (MOWS). Also called: Classic Mowat-Wilson Syndrome. Identifiers: Orphanet 2152, MedGen C1856113, MONDO:0009341, OMIM 235730.

Allele frequency attached by ClinVar (database versions not stated): gnomAD exomes 0.00001; ExAC 0.00002.
gnomAD v4.1: 17 of 1,613,796 alleles (0.0011%); highest among the groups gnomAD compares: South Asian, 0.0033%; no homozygotes.

Submission:

Labcorp Genetics (formerly Invitae), Labcorp
Classification: Uncertain significance for Mowat-Wilson syndrome. Last evaluated: 2025-11-17. Review status: criteria provided, single submitter. Criteria: Invitae Variant Classification Sherloc (09022015). Collection method: clinical testing. Allele origin: germline.
Comment: This sequence change replaces glycine, which is neutral and non-polar, with serine, which is neutral and polar, at codon 51 of the ZEB2 protein (p.Gly51Ser). This variant is present in population databases (rs749173524, gnomAD 0.006%). This variant has not been reported in the literature in individuals affected with ZEB2-related conditions. ClinVar contains an entry for this variant (Variation ID: 1041823). Invitae Evidence Modeling of protein sequence and biophysical properties (such as structural, functional, and spatial information, amino acid conservation, physicochemical variation, residue mobility, and thermodynamic stability) indicates that this missense variant is not expected to disrupt ZEB2 protein function with a negative predictive value of 80%. In summary, the available evidence is currently insufficient to determine the role of this variant in disease. Therefore, it has been classified as a Variant of Uncertain Significance.